The following is an entry in ClinVar:

NM_002449.5(MSX2):c.332A>T (p.Asp111Val)

Gene: MSX2 (msh homeobox 2; plus strand). Cytogenetic location: 5q35.2.
Variant type: single nucleotide variant.
Coding change: c.332A>T on transcript NM_002449.5 (MANE Select); coding-DNA position 332, A replaced by T.
Protein change: p.Asp111Val; replaces aspartic acid 111 with valine.
Molecular consequence: missense variant.
Genome position (GRCh38, 1-based): chr5:174,724,991, A>T. VCF-style: chr5-174724991-A-T. GRCh37 (hg19) VCF-style: chr5-174151994-A-T.
Other names: c.332A>T, p.Asp111Val (NM_001363626.2); short protein forms D111V.
Identifiers: ClinVar variation 2899561 (VCV002899561.3), dbSNP rs766394089, ClinGen allele CA3565136.
Genomic context (GRCh38, chr5:174,724,991, plus strand): 5'-GCCCCGGGCCGCTGGTGAAGCCCTTCGAGACCGCCTCGGTCAAGTCGGAAAATTCAGAAG[A>T]TGGAGCGGCGTGGATGCAGGAACCCGGCCGATATTCGCCGCCGCCAAGTGAGTGCGCGCC-3'
Protein context (NP_002440.2, residues 101-121): TASVKSENSE[Asp111Val]GAAWMQEPGR

ClinVar aggregate classification (germline): Uncertain significance (1 of 4 stars; one submission).

Conditions:
Cranium bifidum occultum. Also called: Enlarged Parietal Foramina; CATLIN MARKS; CRANIUM BIFIDUM, HEREDITARY. Identifiers: MedGen C1868598, HP:0004423.

Allele frequency attached by ClinVar (database versions not stated): gnomAD exomes 0.00001; ExAC 0.00002.

Submission:

Labcorp Genetics (formerly Invitae), Labcorp
Classification: Uncertain significance for Cranium bifidum occultum. Last evaluated: 2024-06-07. Review status: criteria provided, single submitter. Criteria: Invitae Variant Classification Sherloc (09022015). Collection method: clinical testing. Allele origin: germline.
Comment: This sequence change replaces aspartic acid, which is acidic and polar, with valine, which is neutral and non-polar, at codon 111 of the MSX2 protein (p.Asp111Val). This variant is present in population databases (rs766394089, gnomAD 0.02%). This variant has not been reported in the literature in individuals affected with MSX2-related conditions. Advanced modeling of protein sequence and biophysical properties (such as structural, functional, and spatial information, amino acid conservation, physicochemical variation, residue mobility, and thermodynamic stability) performed at Invitae indicates that this missense variant is not expected to disrupt MSX2 protein function with a negative predictive value of 80%. In summary, the available evidence is currently insufficient to determine the role of this variant in disease. Therefore, it has been classified as a Variant of Uncertain Significance.